The following is an entry in ClinVar:

ClinVar aggregate classification (germline): Uncertain significance (1 of 4 stars; one submission).

Conditions:
SPECC1L-related disorder. Also called: SPECC1L-related condition.

gnomAD v4.1: 7 of 1,614,186 alleles (0.00043%); highest among the groups gnomAD compares: African/African-American, 0.0013%; no homozygotes.

Submission:

PreventionGenetics, part of Exact Sciences
Classification: Uncertain significance for SPECC1L-related condition. Last evaluated: 2026-07-18. Review status: criteria provided, single submitter. Criteria: ACMG Guidelines, 2015. Collection method: clinical testing. Allele origin: germline.
Comment: The SPECC1L c.590T>C variant is predicted to result in the amino acid substitution p.Val197Ala. To our knowledge, this variant has not been reported in the literature or in a large population database (gnomAD), indicating this variant is rare. At this time, the clinical significance of this variant is uncertain due to the absence of conclusive functional and genetic evidence.

NM_015330.6(SPECC1L):c.590T>C (p.Val197Ala)

Genes: SPECC1L (sperm antigen with calponin homology and coiled-coil domains 1 like; plus strand), SPECC1L-ADORA2A (SPECC1L-ADORA2A readthrough (NMD candidate); plus strand). Cytogenetic location: 22q11.23.
Variant type: single nucleotide variant.
Coding change: c.590T>C on transcript NM_015330.6 (MANE Select); coding-DNA position 590, T replaced by C.
Protein change: p.Val197Ala; replaces valine 197 with alanine.
Molecular consequence: missense variant. On other transcripts: non-coding transcript variant (1).
Genome position (GRCh38, 1-based): chr22:24,321,570, T>C. VCF-style: chr22-24321570-T-C. GRCh37 (hg19) VCF-style: chr22-24717538-T-C.
Other names: c.590T>C, p.Val197Ala (NM_001145468.4, NM_001254732.3); short protein forms V197A.
Identifiers: ClinVar variation 4999208 (VCV004999208.1).